The following is an entry in ClinVar:

ClinVar aggregate classification (germline): Conflicting classifications of pathogenicity. Review status: criteria provided, conflicting classifications (1 of 4 stars). 2 submissions from 2 submitters: Uncertain significance (1); Likely benign (1). Last evaluated 2025-11-24.

Conditions:
Inborn genetic diseases. Identifiers: MedGen C0950123, MeSH D030342.

Allele frequency attached by ClinVar (database versions not stated): TOPMed below 0.00001; gnomAD 0.00001; gnomAD exomes 0.00001 and 0.00003.
gnomAD v4.1: 22 of 1,614,034 alleles (0.0014%); highest among the groups gnomAD compares: Non-Finnish European, 0.00068%; no homozygotes.

Submissions (2):

Labcorp Genetics (formerly Invitae), Labcorp
Classification: Uncertain significance. Last evaluated: 2025-11-24. Review status: criteria provided, single submitter. Criteria: Invitae Variant Classification Sherloc (09022015). Collection method: clinical testing. Allele origin: germline.
Comment: This sequence change replaces arginine, which is basic and polar, with histidine, which is basic and polar, at codon 624 of the MTOR protein (p.Arg624His). This variant is present in population databases (no rsID available, gnomAD 0.03%). This variant has not been reported in the literature in individuals affected with MTOR-related conditions. ClinVar contains an entry for this variant (Variation ID: 1055738). Invitae Evidence Modeling of protein sequence and biophysical properties (such as structural, functional, and spatial information, amino acid conservation, physicochemical variation, residue mobility, and thermodynamic stability) indicates that this missense variant is not expected to disrupt MTOR protein function with a negative predictive value of 95%. In summary, the available evidence is currently insufficient to determine the role of this variant in disease. Therefore, it has been classified as a Variant of Uncertain Significance.

Ambry Genetics
Classification: Likely benign for Inborn genetic diseases. Last evaluated: 2024-11-22. Review status: criteria provided, single submitter. Criteria: Ambry Variant Classification Scheme 2023. Collection method: clinical testing. Allele origin: germline.

NM_004958.4(MTOR):c.1871G>A (p.Arg624His)

Gene: MTOR (mechanistic target of rapamycin kinase; minus strand). Cytogenetic location: 1p36.22.
Variant type: single nucleotide variant.
Coding change: c.1871G>A on transcript NM_004958.4 (MANE Select); coding-DNA position 1871, G replaced by A.
Protein change: p.Arg624His; replaces arginine 624 with histidine.
Molecular consequence: missense variant.
Genome position (GRCh38, 1-based): chr1:11,238,533, C>T on the plus strand (G>A on the coding strand, the complement: MTOR is on the minus strand). VCF-style: chr1-11238533-C-T. GRCh37 (hg19) VCF-style: chr1-11298590-C-T.
Other names: c.1871G>A, p.Arg624His (NM_001386500.1); c.623G>A, p.Arg208His (NM_001386501.1); c.1871G>A (NM_004958.3); short protein forms R208H, R624H.
Identifiers: ClinVar variation 1055738 (VCV001055738.8), dbSNP rs913197212, ClinGen allele CA17939840.